The following is an entry in ClinVar:

ClinVar aggregate classification (germline): Uncertain significance (1 of 4 stars; one submission).

Conditions:
Cardiac arrhythmia. Also called: Arrhythmia; Cardiac rhythm disease. Identifiers: MedGen C0003811, MONDO:0007263, HP:0011675.

Submission:

Color Diagnostics, LLC DBA Color Health
Classification: Uncertain significance for Cardiac arrhythmia. Last evaluated: 2025-06-30. Review status: criteria provided, single submitter. Criteria: ACMG Guidelines, 2015. Collection method: clinical testing. Allele origin: germline.
Comment: This missense variant replaces serine with asparagine at codon 463 of the KCNQ1 protein. Computational prediction suggests that this variant may not impact protein structure and function. To our knowledge, functional studies have not been reported for this variant. This variant has not been reported in individuals affected with KCNQ1-related disorders in the literature. This variant has not been identified in the general population by the Genome Aggregation Database (gnomAD). The available evidence is insufficient to determine the role of this variant in disease conclusively. Therefore, this variant is classified as a Variant of Uncertain Significance.

NM_000218.3(KCNQ1):c.1388G>A (p.Ser463Asn)

Gene: KCNQ1 (potassium voltage-gated channel subfamily Q member 1; plus strand). Cytogenetic location: 11p15.5.
Variant type: single nucleotide variant.
Coding change: c.1388G>A on transcript NM_000218.3 (MANE Select); coding-DNA position 1388, G replaced by A.
Protein change: p.Ser463Asn; replaces serine 463 with asparagine.
Molecular consequence: missense variant.
Genome position (GRCh38, 1-based): chr11:2,588,849, G>A. VCF-style: chr11-2588849-G-A. GRCh37 (hg19) VCF-style: chr11-2610079-G-A.
Other names: c.1292G>A, p.Ser431Asn (NM_001406836.1); c.1118G>A, p.Ser373Asn (NM_001406837.1); c.848G>A, p.Ser283Asn (NM_001406838.1); c.1007G>A, p.Ser336Asn (NM_181798.2); short protein forms S283N, S336N, S373N, S431N, S463N.
Identifiers: ClinVar variation 4758762 (VCV004758762.1).